The following is an entry in ClinVar:

ClinVar aggregate classification (germline): Uncertain significance. Review status: criteria provided, multiple submitters, no conflicts (2 of 4 stars). 3 submissions from 3 submitters: Uncertain significance (3). Last evaluated 2025-09-12.

Conditions:
ADCY3-related disorder. Also called: ADCY3-related condition.
Inborn genetic diseases. Identifiers: MedGen C0950123, MeSH D030342.

Submissions (3):

PreventionGenetics, part of Exact Sciences
Classification: Uncertain significance for ADCY3-related condition. Last evaluated: 2025-09-12. Review status: criteria provided, single submitter. Criteria: ACMG Guidelines, 2015. Collection method: clinical testing. Allele origin: germline.
Comment: The ADCY3 c.290C>T variant is predicted to result in the amino acid substitution p.Ala97Val. To our knowledge, this variant has not been reported in the literature. This variant is reported in 0.0018% of alleles in individuals of European (Non-Finnish) descent in gnomAD. At this time, the clinical significance of this variant is uncertain due to the absence of conclusive functional and genetic evidence.

Ambry Genetics
Classification: Uncertain significance for Inborn genetic diseases. Last evaluated: 2025-05-28. Review status: criteria provided, single submitter. Criteria: Ambry Variant Classification Scheme 2023. Collection method: clinical testing. Allele origin: germline.

GeneDx
Classification: Uncertain significance. Last evaluated: 2024-03-04. Review status: criteria provided, single submitter. Criteria: GeneDx Variant Classification Process June 2021. Collection method: clinical testing. Allele origin: germline. Affected: yes.
Comment: In silico analysis supports that this missense variant has a deleterious effect on protein structure/function; Has not been previously published as pathogenic or benign to our knowledge; Variants in candidate genes are classified as variants of uncertain significance in accordance with ACMG guidelines (PMID: 25741868)

NM_004036.5(ADCY3):c.290C>T (p.Ala97Val)

Gene: ADCY3 (adenylate cyclase 3; minus strand). Cytogenetic location: 2p23.3.
Variant type: single nucleotide variant.
Coding change: c.290C>T on transcript NM_004036.5 (MANE Select); coding-DNA position 290, C replaced by T.
Protein change: p.Ala97Val; replaces alanine 97 with valine.
Molecular consequence: missense variant.
Genome position (GRCh38, 1-based): chr2:24,918,698, G>A on the plus strand (C>T on the coding strand, the complement: ADCY3 is on the minus strand). VCF-style: chr2-24918698-G-A. GRCh37 (hg19) VCF-style: chr2-25141567-G-A.
Other names: c.290C>T (NM_001320613.1, NM_004036.3); c.290C>T, p.Ala97Val (NM_001377132.1, NM_001320613.2, NM_001377128.1 and 2 more transcripts); short protein forms A97V.
Identifiers: ClinVar variation 3391537 (VCV003391537.3).